The following is an entry in ClinVar:

ClinVar aggregate classification (germline): Benign. Review status: reviewed by expert panel (3 of 4 stars). 4 submissions from 4 submitters: Benign (1). 3 of the submissions do not count toward it. Last evaluated 2024-02-23.

Conditions:
Pitt-Hopkins syndrome (PTHS). Also called: ENCEPHALOPATHY, SEVERE EPILEPTIC, WITH AUTONOMIC DYSFUNCTION; MENTAL RETARDATION, SYNDROMAL, WITH INTERMITTENT HYPERVENTILATION. Identifiers: Orphanet 2896, MedGen C1970431, MONDO:0012589, OMIM 610954.

Allele frequency attached by ClinVar (database versions not stated): TOPMed 0.00002; gnomAD exomes 0.00003; ExAC 0.00004.
gnomAD v4.1: 22 of 1,613,172 alleles (0.0014%); highest among the groups gnomAD compares: East Asian, 0.0045%; no homozygotes.

Submissions (4):

ClinGen Rett and Angelman-like Disorders Variant Curation Expert Panel
Classification: Benign for Pitt-Hopkins syndrome. Last evaluated: 2024-02-23. Review status: reviewed by expert panel. Criteria: ClinGen RettAS ACMG Specifications TCF4 V3.0.0. Collection method: curation. Allele origin: germline. Inheritance: Autosomal dominant inheritance.
Comment: The allele frequency of the p.Asn301= variant in TCF4 is 0.011% in East Asian sub population in gnomAD v2, which is high enough to meet the BS1 criteria based on thresholds defined by the ClinGen Rett/Angelman-like Expert Panel for Rett/AS-like conditions (BS1). The silent p.Asn301= variant is not predicted to affect splicing using multiple computational tools and does not affect a highly conserved nucleotide (BP4, BP7). The p.Asn301= variant is observed in at least 2 unaffected individuals (internal database - GeneDx) (BS2). In summary, the p.Asn301= variant in TCF4 is classified as benign based on the ACMG/AMP criteria (BS1, BP4, BP7, BS2, BP5).

Labcorp Genetics (formerly Invitae), Labcorp
Classification: Likely benign for Pitt-Hopkins syndrome. Last evaluated: 2024-10-17. Review status: criteria provided, single submitter. Criteria: Invitae Variant Classification Sherloc (09022015). Collection method: clinical testing. Allele origin: germline. Not counted in ClinVar's aggregate classification.

GeneDx
Classification: Likely benign. Last evaluated: 2020-02-06. Review status: criteria provided, single submitter. Criteria: GeneDx Variant Classification Process June 2021. Collection method: clinical testing. Allele origin: germline. Affected: yes. Not counted in ClinVar's aggregate classification.

Illumina Laboratory Services, Illumina
Classification: Uncertain significance for Pitt-Hopkins syndrome. Last evaluated: 2018-04-20. Review status: criteria provided, single submitter. Criteria: ICSL Variant Classification Criteria 13 December 2019. Collection method: clinical testing. Allele origin: germline. Not counted in ClinVar's aggregate classification.

NM_001083962.2(TCF4):c.903C>T (p.Asn301=)

Genes: TCF4 (transcription factor 4; minus strand), LOC126862757 (CDK7 strongly-dependent group 2 enhancer GRCh37_chr18:52936433-52937632; plus strand). Cytogenetic location: 18q21.2.
Variant type: single nucleotide variant.
Coding change: c.903C>T on transcript NM_001083962.2 (MANE Select); coding-DNA position 903, C replaced by T.
Protein change: p.Asn301=; no amino-acid change (asparagine 301 retained).
Molecular consequence: synonymous variant.
Genome position (GRCh38, 1-based): chr18:55,269,850, G>A on the plus strand (C>T on the coding strand, the complement: TCF4 is on the minus strand). VCF-style: chr18-55269850-G-A. GRCh37 (hg19) VCF-style: chr18-52937081-G-A.
Other names: NM_001083962.2(TCF4):c.903C>T; p.Asn301=; c.1209C>T, p.Asn403= (NM_001243226.3); c.831C>T, p.Asn277= (NM_001243227.2, NM_001306207.1, NM_001348217.1 and 9 more transcripts); c.921C>T, p.Asn307= (NM_001243228.2); c.897C>T, p.Asn299= (NM_001243230.2); c.777C>T, p.Asn259= (NM_001243231.2, NM_001348211.2); c.690C>T, p.Asn230= (NM_001243232.1, NM_001306208.1); and 6 more.
Identifiers: ClinVar variation 890675 (VCV000890675.15), dbSNP rs781392344, ClinGen allele CA8970372.